The following is an entry in ClinVar:

ClinVar aggregate classification (germline): Likely pathogenic (1 of 4 stars; one submission).

Conditions:
Autosomal recessive polycystic kidney disease (ARPKD). Also called: AR polycystic kidney disease. Identifiers: Orphanet 731, Orphanet 8378, MedGen C0085548, MeSH D017044, MONDO:0009889.

Submission:

Natera, Inc.
Classification: Likely pathogenic for Autosomal recessive polycystic kidney disease. Last evaluated: 2025-06-18. Review status: criteria provided, single submitter. Criteria: Natera Variant Classification Schema (03/2026). Collection method: clinical testing. Allele origin: germline.
Comment: The c.5356dup variant in PKHD1 is a frameshift variant predicted to shift the reading frame beginning at codon 1786 and leads to a stop codon 20 codons downstream. This variant is expected to result in nonsense mediated decay, truncation, or a dysfunctional protein product. This variant is rare in the general population with a frequency below the threshold expected for the associated phenotype(s). Given the available evidence, this variant is classified as Likely Pathogenic.

NM_138694.4(PKHD1):c.5356dup (p.Ser1786fs)

Gene: PKHD1 (PKHD1 ciliary IPT domain containing fibrocystin/polyductin; minus strand). Cytogenetic location: 6p12.2.
Variant type: Duplication.
Coding change: c.5356dup on transcript NM_138694.4 (MANE Select); coding-DNA position 5356, one base duplicated (A; older notation c.5356dupA).
Protein change: p.Ser1786fs; shifts the reading frame from serine 1786.
Molecular consequence: frameshift variant.
Genome position (GRCh38, 1-based): chr6:52,022,825, T duplicated on the plus strand (A on the coding strand, the reverse complement: PKHD1 is on the minus strand). VCF-style (leftmost placement, unchanged base first): chr6-52022824-C-CT. GRCh37 (hg19) VCF-style: chr6-51887622-C-CT.
Other names: c.5356dup, p.Ser1786fs (NM_170724.3); short protein forms S1786fs.
Identifiers: ClinVar variation 4816693 (VCV004816693.1).
Genomic context (GRCh38, chr6:52,022,824, plus strand): 5'-ATGCTTTAAAATATATGTGTGTGGCATCTTTACTCACCATCCAGGGGCAGAACCAAGCAG[C>CT]TGAAGGCAGACACTGTAGCATTAGCCAGGACTCGGCAGGGAGCACCACACACAGCAGCTG-3'